The following is an entry in ClinVar:

ClinVar aggregate classification (germline): Uncertain significance (1 of 4 stars; one submission).

Submission:

GeneDx
Classification: Uncertain significance. Last evaluated: 2025-06-02. Review status: criteria provided, single submitter. Criteria: GeneDx Variant Classification Process June 2021. Collection method: clinical testing. Allele origin: germline. Affected: yes.
Comment: Not observed at significant frequency in large population cohorts (gnomAD); In silico analysis suggests that this missense variant does not alter protein structure/function; Has not been previously published as pathogenic or benign to our knowledge

NM_001038603.3(MARVELD2):c.616G>T (p.Gly206Cys)

Gene: MARVELD2 (MARVEL domain containing 2; plus strand). Cytogenetic location: 5q13.2.
Variant type: single nucleotide variant.
Coding change: c.616G>T on transcript NM_001038603.3 (MANE Select); coding-DNA position 616, G replaced by T.
Protein change: p.Gly206Cys; replaces glycine 206 with cysteine.
Molecular consequence: missense variant.
Genome position (GRCh38, 1-based): chr5:69,420,001, G>T. VCF-style: chr5-69420001-G-T. GRCh37 (hg19) VCF-style: chr5-68715828-G-T.
Other names: c.616G>T, p.Gly206Cys (NM_001244734.2); short protein forms G206C.
Identifiers: ClinVar variation 4536347 (VCV004536347.1).